The following is an entry in ClinVar:

ClinVar aggregate classification (germline): Likely benign (1 of 4 stars; one submission).

Submission:

CeGaT Center for Human Genetics Tuebingen
Classification: Likely benign. Last evaluated: 2026-08-01. Review status: criteria provided, single submitter. Criteria: CeGaT Center For Human Genetics Tuebingen Variant Classification Criteria Version 2. Collection method: clinical testing. Allele origin: germline. Affected: yes. Observed: 7 variant alleles.
Comment: PPFIA1: PM2:Supporting, BP4, BP7

NM_003626.5(PPFIA1):c.1686C>G (p.Ala562=)

Gene: PPFIA1 (PPFI scaffold protein A1; plus strand). Cytogenetic location: 11q13.3.
Variant type: single nucleotide variant.
Coding change: c.1686C>G on transcript NM_003626.5 (MANE Select); coding-DNA position 1686, C replaced by G.
Protein change: p.Ala562=; no amino-acid change (alanine 562 retained).
Molecular consequence: synonymous variant. On other transcripts: non-coding transcript variant (1).
Genome position (GRCh38, 1-based): chr11:70,339,285, C>G. VCF-style: chr11-70339285-C-G. GRCh37 (hg19) VCF-style: chr11-70185391-C-G.
Other names: c.1761C>G, p.Ala587= (NM_001378006.1); c.1686C>G, p.Ala562= (NM_177423.3).
Identifiers: ClinVar variation 2642053 (VCV002642053.24), dbSNP rs1405591687, ClinGen allele CA475243066.